The following is an entry in ClinVar:

NM_031418.4(ANO3):c.17G>T (p.Gly6Val)

Gene: ANO3 (anoctamin 3; plus strand). Cytogenetic location: 11p14.2.
Variant type: single nucleotide variant.
Coding change: c.17G>T on transcript NM_031418.4 (MANE Select); coding-DNA position 17, G replaced by T.
Protein change: p.Gly6Val; replaces glycine 6 with valine.
Molecular consequence: missense variant. On other transcripts: intron variant (1).
Genome position (GRCh38, 1-based): chr11:26,332,292, G>T. VCF-style: chr11-26332292-G-T. GRCh37 (hg19) VCF-style: chr11-26353839-G-T.
Other names: c.229+22573G>T (NM_001313726.2); short protein forms G6V.
Identifiers: ClinVar variation 1391685 (VCV001391685.6), dbSNP rs762765259, ClinGen allele CA5925419.

ClinVar aggregate classification (germline): Uncertain significance (1 of 4 stars; one submission).

Conditions:
Dystonic disorder. Also called: Dystonia. Identifiers: MedGen C0013421, MONDO:0003441, HP:0001332.

Allele frequency attached by ClinVar (database versions not stated): ExAC 0.00001; gnomAD exomes 0.00001 and 0.00002.
gnomAD v4.1: 13 of 1,613,918 alleles (0.00081%); highest among the groups gnomAD compares: Middle Eastern, 0.033%; no homozygotes.

Submission:

Labcorp Genetics (formerly Invitae), Labcorp
Classification: Uncertain significance for Dystonic disorder. Last evaluated: 2021-11-14. Review status: criteria provided, single submitter. Criteria: Invitae Variant Classification Sherloc (09022015). Collection method: clinical testing. Allele origin: germline.
Comment: In summary, the available evidence is currently insufficient to determine the role of this variant in disease. Therefore, it has been classified as a Variant of Uncertain Significance. Advanced modeling of protein sequence and biophysical properties (such as structural, functional, and spatial information, amino acid conservation, physicochemical variation, residue mobility, and thermodynamic stability) performed at Invitae indicates that this missense variant is not expected to disrupt ANO3 protein function. This variant has not been reported in the literature in individuals affected with ANO3-related conditions. This variant is present in population databases (rs762765259, gnomAD 0.002%). This sequence change replaces glycine, which is neutral and non-polar, with valine, which is neutral and non-polar, at codon 6 of the ANO3 protein (p.Gly6Val).